The following is an entry in ClinVar:

NM_213599.3(ANO5):c.2698A>G (p.Met900Val)

Gene: ANO5 (anoctamin 5; plus strand). Cytogenetic location: 11p14.3.
Variant type: single nucleotide variant.
Coding change: c.2698A>G on transcript NM_213599.3 (MANE Select); coding-DNA position 2698, A replaced by G.
Protein change: p.Met900Val; replaces methionine 900 with valine.
Molecular consequence: missense variant.
Genome position (GRCh38, 1-based): chr11:22,279,721, A>G. VCF-style: chr11-22279721-A-G. GRCh37 (hg19) VCF-style: chr11-22301267-A-G.
Other names: c.2695A>G, p.Met899Val (NM_001142649.2); short protein forms M899V, M900V.
Identifiers: ClinVar variation 1450316 (VCV001450316.6), dbSNP rs148293985, ClinGen allele CA379925408.

ClinVar aggregate classification (germline): Uncertain significance (1 of 4 stars; one submission).

Conditions:
Gnathodiaphyseal dysplasia (GDD). Also called: GNATHODIAPHYSEAL SCLEROSIS; OSTEOGENESIS IMPERFECTA WITH UNUSUAL SKELETAL LESIONS. Identifiers: Orphanet 53697, MedGen C1833736, MONDO:0008151, OMIM 166260.
Autosomal recessive limb-girdle muscular dystrophy type 2L (LGMDR12). Also called: Limb-girdle muscular dystrophy, type 2L; Limb-Girdle Muscular Dystrophy R12 Anoctamin-5-Related (LGMD-R12); MUSCULAR DYSTROPHY, LIMB-GIRDLE, AUTOSOMAL RECESSIVE 12. Identifiers: Orphanet 206549, MedGen C1969785, MONDO:0012652, OMIM 611307.

Submission:

Labcorp Genetics (formerly Invitae), Labcorp
Classification: Uncertain significance for Autosomal recessive limb-girdle muscular dystrophy type 2L; Gnathodiaphyseal dysplasia. Last evaluated: 2021-10-09. Review status: criteria provided, single submitter. Criteria: Invitae Variant Classification Sherloc (09022015). Collection method: clinical testing. Allele origin: germline.
Comment: This variant has not been reported in the literature in individuals affected with ANO5-related conditions. In summary, the available evidence is currently insufficient to determine the role of this variant in disease. Therefore, it has been classified as a Variant of Uncertain Significance. Advanced modeling of protein sequence and biophysical properties (such as structural, functional, and spatial information, amino acid conservation, physicochemical variation, residue mobility, and thermodynamic stability) performed at Invitae indicates that this missense variant is not expected to disrupt ANO5 protein function. This variant is not present in population databases (ExAC no frequency). This sequence change replaces methionine with valine at codon 900 of the ANO5 protein (p.Met900Val). The methionine residue is weakly conserved and there is a small physicochemical difference between methionine and valine.